The following is an entry in ClinVar:

NM_001042492.3(NF1):c.1976G>T (p.Arg659Leu)

Gene: NF1 (neurofibromin 1; plus strand). Cytogenetic location: 17q11.2.
Variant type: single nucleotide variant.
Coding change: c.1976G>T on transcript NM_001042492.3 (MANE Select); coding-DNA position 1976, G replaced by T.
Protein change: p.Arg659Leu; replaces arginine 659 with leucine.
Molecular consequence: missense variant.
Genome position (GRCh38, 1-based): chr17:31,225,225, G>T. VCF-style: chr17-31225225-G-T. GRCh37 (hg19) VCF-style: chr17-29552243-G-T.
Other names: c.1976G>T, p.Arg659Leu (NM_000267.4); short protein forms R659L.
Identifiers: ClinVar variation 2452320 (VCV002452320.2), dbSNP rs151138158, ClinGen allele CA399005569.

ClinVar aggregate classification (germline): Uncertain significance (1 of 4 stars; one submission).

Conditions:
Hereditary cancer-predisposing syndrome. Also called: Neoplastic Syndromes, Hereditary; Tumor predisposition; Hereditary neoplastic syndrome; Hereditary Cancer Syndrome. Identifiers: Orphanet 140162, MedGen C0027672, MeSH D009386, MONDO:0015356.
Cardiovascular phenotype. Identifiers: MedGen CN230736.

Submission:

Ambry Genetics
Classification: Uncertain significance for Cardiovascular phenotype; Hereditary cancer-predisposing syndrome. Last evaluated: 2023-03-07. Review status: criteria provided, single submitter. Criteria: Ambry Variant Classification Scheme 2023. Collection method: clinical testing. Allele origin: germline.
Comment: The p.R659L variant (also known as c.1976G>T), located in coding exon 17 of the NF1 gene, results from a G to T substitution at nucleotide position 1976. The arginine at codon 659 is replaced by leucine, an amino acid with dissimilar properties. This amino acid position is highly conserved in available vertebrate species. In addition, the in silico prediction for this alteration is inconclusive. Since supporting evidence is limited at this time, the clinical significance of this alteration remains unclear.